The following is an entry in ClinVar:

NM_001081550.2(THOC2):c.241C>T (p.Pro81Ser)

Gene: THOC2 (THO complex subunit 2; minus strand). Cytogenetic location: Xq25.
Variant type: single nucleotide variant.
Coding change: c.241C>T on transcript NM_001081550.2 (MANE Select); coding-DNA position 241, C replaced by T.
Protein change: p.Pro81Ser; replaces proline 81 with serine.
Molecular consequence: missense variant.
Genome position (GRCh38, 1-based): chrX:123,703,487, G>A on the plus strand (C>T on the coding strand, the complement: THOC2 is on the minus strand). VCF-style: chrX-123703487-G-A. GRCh37 (hg19) VCF-style: chrX-122837337-G-A.
Other names: short protein forms P81S.
Identifiers: ClinVar variation 3378243 (VCV003378243.1).

ClinVar aggregate classification (germline): Uncertain significance (1 of 4 stars; one submission).

Submission:

GeneDx
Classification: Uncertain significance. Last evaluated: 2024-05-13. Review status: criteria provided, single submitter. Criteria: GeneDx Variant Classification Process June 2021. Collection method: clinical testing. Allele origin: germline. Affected: yes.
Comment: Not observed at significant frequency in large population cohorts (gnomAD); In silico analysis supports that this missense variant has a deleterious effect on protein structure/function; Has not been previously published as pathogenic or benign to our knowledge